The following is an entry in ClinVar:

ClinVar aggregate classification (germline): Likely benign (1 of 4 stars; one submission).

Conditions:
Lynch syndrome. Identifiers: Orphanet 144, MedGen C4552100, MONDO:0005835. Disease mechanism: loss of function.

Submission:

All of Us Research Program, National Institutes of Health
Classification: Likely benign for Lynch syndrome. Last evaluated: 2024-05-14. Review status: criteria provided, single submitter. Criteria: ACMG Guidelines, 2015. Collection method: clinical testing. Allele origin: germline. Inheritance: Autosomal dominant inheritance. Observed: 1 variant allele, 1 heterozygote.
Comment: This study involves interpretation of variants in research participants for the purpose of population health screening. Participant phenotype was not available at the time of variant classification. Additional details can be found in publication PMID: 35346344, PMCID: PMC8962531

NM_000179.3(MSH6):c.3648A>G (p.Gly1216=)

Gene: MSH6 (mutS homolog 6; plus strand). Cytogenetic location: 2p16.3.
Variant type: single nucleotide variant.
Coding change: c.3648A>G on transcript NM_000179.3 (MANE Select); coding-DNA position 3648, A replaced by G.
Protein change: p.Gly1216=; no amino-acid change (glycine 1216 retained).
Molecular consequence: synonymous variant. On other transcripts: non-coding transcript variant (5).
Genome position (GRCh38, 1-based): chr2:47,806,205, A>G. VCF-style: chr2-47806205-A-G. GRCh37 (hg19) VCF-style: chr2-48033344-A-G.
Other names: c.3258A>G, p.Gly1086= (NM_001281492.2); c.2742A>G, p.Gly914= (NM_001281493.2, NM_001281494.2, NM_001406811.1 and 6 more transcripts); c.3744A>G, p.Gly1248= (NM_001406795.1, NM_001406802.1); c.3648A>G, p.Gly1216= (NM_001406796.1, NM_001406800.1, NM_001406808.1 and 1 more transcripts); c.3351A>G, p.Gly1117= (NM_001406797.1, NM_001406801.1, NM_001406805.1 and 10 more transcripts); c.3474A>G, p.Gly1158= (NM_001406798.1); c.3123A>G, p.Gly1041= (NM_001406799.1, NM_001406806.1, NM_001406807.1); c.2784A>G, p.Gly928= (NM_001406803.1); and 7 more.
Identifiers: ClinVar variation 3387070 (VCV003387070.1).